The following is an entry in ClinVar:

NM_002772.3(TMPRSS15):c.142C>T (p.Arg48Ter)

Gene: TMPRSS15 (transmembrane serine protease 15; minus strand). Cytogenetic location: 21q21.1.
Variant type: single nucleotide variant.
Coding change: c.142C>T on transcript NM_002772.3 (MANE Select); coding-DNA position 142, C replaced by T.
Protein change: p.Arg48Ter; replaces arginine 48 with a stop codon.
Molecular consequence: nonsense.
Genome position (GRCh38, 1-based): chr21:18,403,481, G>A on the plus strand (C>T on the coding strand, the complement: TMPRSS15 is on the minus strand). VCF-style: chr21-18403481-G-A. GRCh37 (hg19) VCF-style: chr21-19775798-G-A.
Other names: short protein forms R48*.
Identifiers: ClinVar variation 2876930 (VCV002876930.3), dbSNP rs1481119745, ClinGen allele CA409853710.

ClinVar aggregate classification (germline): Pathogenic (1 of 4 stars; one submission).

Allele frequency attached by ClinVar (database versions not stated): gnomAD 0.00001.
gnomAD v4.1: 11 of 1,614,010 alleles (0.00068%); highest among the groups gnomAD compares: African/African-American, 0.0027%; no homozygotes.

Submission:

Labcorp Genetics (formerly Invitae), Labcorp
Classification: Pathogenic. Last evaluated: 2025-11-05. Review status: criteria provided, single submitter. Criteria: Invitae Variant Classification Sherloc (09022015). Collection method: clinical testing. Allele origin: germline.
Comment: This sequence change creates a premature translational stop signal (p.Arg48*) in the TMPRSS15 gene. It is expected to result in an absent or disrupted protein product. Loss-of-function variants in TMPRSS15 are known to be pathogenic (PMID: 11719902). This variant is present in population databases (no rsID available, gnomAD 0.004%). This variant has not been reported in the literature in individuals affected with TMPRSS15-related conditions. ClinVar contains an entry for this variant (Variation ID: 2876930). Algorithms developed to predict the effect of sequence changes on RNA splicing suggest that this variant may disrupt the consensus splice site. For these reasons, this variant has been classified as Pathogenic.

Literature cited by the submitters: PubMed 11719902.